The following is an entry in ClinVar:

ClinVar aggregate classification (germline): Uncertain significance (1 of 4 stars; one submission).

Conditions:
KBG syndrome (KBGS). Also called: ANKRD11-Related KBG Syndrome. Identifiers: Orphanet 2332, MedGen C0220687, MONDO:0007846, OMIM 148050.

Submission:

Labcorp Genetics (formerly Invitae), Labcorp
Classification: Uncertain significance for KBG syndrome. Last evaluated: 2023-08-10. Review status: criteria provided, single submitter. Criteria: Invitae Variant Classification Sherloc (09022015). Collection method: clinical testing. Allele origin: germline.
Comment: In summary, the available evidence is currently insufficient to determine the role of this variant in disease. Therefore, it has been classified as a Variant of Uncertain Significance. Advanced modeling of protein sequence and biophysical properties (such as structural, functional, and spatial information, amino acid conservation, physicochemical variation, residue mobility, and thermodynamic stability) performed at Invitae indicates that this missense variant is not expected to disrupt ANKRD11 protein function. This variant has not been reported in the literature in individuals affected with ANKRD11-related conditions. This variant is not present in population databases (gnomAD no frequency). This sequence change replaces methionine, which is neutral and non-polar, with isoleucine, which is neutral and non-polar, at codon 2336 of the ANKRD11 protein (p.Met2336Ile).

NM_013275.6(ANKRD11):c.7008G>T (p.Met2336Ile)

Gene: ANKRD11 (ankyrin repeat domain 11; minus strand). Cytogenetic location: 16q24.3.
Variant type: single nucleotide variant.
Coding change: c.7008G>T on transcript NM_013275.6 (MANE Select); coding-DNA position 7008, G replaced by T.
Protein change: p.Met2336Ile; replaces methionine 2336 with isoleucine.
Molecular consequence: missense variant.
Genome position (GRCh38, 1-based): chr16:89,279,534, C>A on the plus strand (G>T on the coding strand, the complement: ANKRD11 is on the minus strand). VCF-style: chr16-89279534-C-A. GRCh37 (hg19) VCF-style: chr16-89345942-C-A.
Other names: c.7008G>T, p.Met2336Ile (NM_001256182.2, NM_001256183.2); short protein forms M2336I.
Identifiers: ClinVar variation 2839217 (VCV002839217.3), dbSNP rs2544219710, ClinGen allele CA397149527.
Genomic context (GRCh38, chr16:89,279,534, plus strand): 5'-CTCGGAGGGGGGCGGGCCCTGCTTGCTCTGGTTCGCGAGCATCTGCGCCCGGTTCCTGGT[C>A]ATGCGCTGAGGGATCTCCTCCACTCGGGGGGCCTTCGGGGCTTCGGCCGTGGGTTTTGGT-3'
Protein context (NP_037407.4, residues 2326-2346): APRVEEIPQR[Met2336Ile]TRNRAQMLAN